The following is an entry in ClinVar:

NM_000130.5(F5):c.1926C>A (p.Thr642=)

Gene: F5 (coagulation factor V; minus strand). Cytogenetic location: 1q24.2.
Variant type: single nucleotide variant.
Coding change: c.1926C>A on transcript NM_000130.5 (MANE Select); coding-DNA position 1926, C replaced by A.
Protein change: p.Thr642=; no amino-acid change (threonine 642 retained).
Molecular consequence: synonymous variant.
Genome position (GRCh38, 1-based): chr1:169,544,345, G>T on the plus strand (C>A on the coding strand, the complement: F5 is on the minus strand). VCF-style: chr1-169544345-G-T. GRCh37 (hg19) VCF-style: chr1-169513583-G-T.
Other names: p.Thr642=.
Identifiers: ClinVar variation 255192 (VCV000255192.14), dbSNP rs6037, ClinGen allele CA1234202.

ClinVar aggregate classification (germline): Benign/Likely benign. Review status: criteria provided, multiple submitters, no conflicts (2 of 4 stars). 8 submissions from 6 submitters: Benign (7); Likely benign (1). Last evaluated 2026-02-04.

Conditions:
Thrombophilia due to thrombin defect (THPH1). Also called: Thrombosis susceptibility; THROMBOPHILIA DUE TO FACTOR 2 DEFECT; Prothrombin-Related Thrombophilia (Factor II); Prothrombin Thrombophilia. Identifiers: MedGen C3160733, MONDO:0008559, OMIM 188050. Disease mechanism: gain of function, loss of function.
Congenital factor V deficiency. Also called: LABILE FACTOR DEFICIENCY; OWREN PARAHEMOPHILIA; PARAHEMOPHILIA; Hereditary factor V deficiency disease. Identifiers: Orphanet 326, MedGen C0015499, MONDO:0009210, OMIM 227400.
Budd-Chiari syndrome (BDCHS). Also called: Hepatic vein obstruction. Identifiers: Orphanet 131, MedGen C0856761, MONDO:0010947, OMIM 600880, HP:0002639.
Factor V deficiency. Also called: Reduced coagulation factor V activity. Identifiers: Orphanet 326, MedGen C4317320, MONDO:0020586, HP:0003225.

Allele frequency attached by ClinVar (database versions not stated): 1000 Genomes Project 30x 0.04934; 1000 Genomes Project 0.05032; ESP Exome Variant Server 0.05505; TOPMed 0.05949; gnomAD 0.06314 and 0.06412; ExAC 0.07162; gnomAD exomes 0.07548.
gnomAD v4.1: 117,475 of 1,613,708 alleles (7.3%); highest among the groups gnomAD compares: Admixed American, 10%; 4,834 homozygotes.

Submissions (8):

Labcorp Genetics (formerly Invitae), Labcorp
Classification: Benign for Congenital factor V deficiency. Last evaluated: 2026-02-04. Review status: criteria provided, single submitter. Criteria: Invitae Variant Classification Sherloc (09022015). Collection method: clinical testing. Allele origin: germline.

GeneDx
Classification: Benign. Last evaluated: 2019-09-24. Review status: criteria provided, single submitter. Criteria: GeneDx Variant Classification Process June 2021. Collection method: clinical testing. Allele origin: germline. Affected: yes.

Illumina Laboratory Services, Illumina
Classification: Benign for Budd-Chiari syndrome. Last evaluated: 2018-01-12. Review status: criteria provided, single submitter. Criteria: ICSL Variant Classification Criteria 13 December 2019. Collection method: clinical testing. Allele origin: germline.
Comment: This variant was observed in the ICSL laboratory as part of a predisposition screen in an ostensibly healthy population. It had not been previously curated by ICSL or reported in the Human Gene Mutation Database (HGMD: prior to June 1st, 2018), and was therefore a candidate for classification through an automated scoring system. Utilizing variant allele frequency, disease prevalence and penetrance estimates, and inheritance mode, an automated score was calculated to assess if this variant is too frequent to cause the disease. Based on the score and internal cut-off values, a variant classified as benign is not then subjected to further curation. The score for this variant resulted in a classification of benign for this disease.

Illumina Laboratory Services, Illumina
Classification: Benign for Congenital factor V deficiency. Last evaluated: 2018-01-12. Review status: criteria provided, single submitter. Criteria: ICSL Variant Classification Criteria 13 December 2019. Collection method: clinical testing. Allele origin: germline.
Comment: the same text as in the submission from Illumina Laboratory Services, Illumina above.

Illumina Laboratory Services, Illumina
Classification: Benign for Venous thrombosis. Last evaluated: 2018-01-12. Review status: criteria provided, single submitter. Criteria: ICSL Variant Classification Criteria 13 December 2019. Collection method: clinical testing. Allele origin: germline.
Comment: the same text as in the submission from Illumina Laboratory Services, Illumina above.

Mayo Clinic Laboratories, Mayo Clinic
Classification: Benign. Last evaluated: 2016-05-26. Review status: criteria provided, single submitter. Criteria: ACMG Guidelines, 2015. Collection method: clinical testing. Allele origin: germline. Observed: 34 variant alleles.

Breakthrough Genomics
Classification: Likely benign. Review status: criteria provided, single submitter. Criteria: ACMG Guidelines, 2015. Collection method: not provided. Allele origin: germline. Inheritance: Autosomal recessive inheritance. Affected: yes.

PreventionGenetics, part of Exact Sciences
Classification: Benign. Review status: criteria provided, single submitter. Criteria: ACMG Guidelines, 2015. Collection method: clinical testing. Allele origin: germline.